The following is an entry in ClinVar:

NM_001384479.1(AGT):c.53G>A (p.Trp18Ter)

Gene: AGT (angiotensinogen; minus strand). Cytogenetic location: 1q42.2.
Variant type: single nucleotide variant.
Coding change: c.53G>A on transcript NM_001384479.1 (MANE Select); coding-DNA position 53, G replaced by A.
Protein change: p.Trp18Ter; replaces tryptophan 18 with a stop codon.
Molecular consequence: nonsense.
Genome position (GRCh38, 1-based): chr1:230,710,771, C>T on the plus strand (G>A on the coding strand, the complement: AGT is on the minus strand). VCF-style: chr1-230710771-C-T. GRCh37 (hg19) VCF-style: chr1-230846517-C-T.
Other names: c.53G>A, p.Trp18Ter (NM_001382817.3); short protein forms W18*.
Identifiers: ClinVar variation 2414356 (VCV002414356.3), dbSNP rs2527717700, ClinGen allele CA345207836.

ClinVar aggregate classification (germline): Pathogenic (1 of 4 stars; one submission).

Submission:

Labcorp Genetics (formerly Invitae), Labcorp
Classification: Pathogenic. Last evaluated: 2022-06-27. Review status: criteria provided, single submitter. Criteria: Invitae Variant Classification Sherloc (09022015). Collection method: clinical testing. Allele origin: germline.
Comment: This sequence change creates a premature translational stop signal (p.Trp27*) in the AGT gene. It is expected to result in an absent or disrupted protein product. Loss-of-function variants in AGT are known to be pathogenic (PMID: 11096065, 17036344, 31718018). This variant is not present in population databases (gnomAD no frequency). This variant has not been reported in the literature in individuals affected with AGT-related conditions. Algorithms developed to predict the effect of sequence changes on RNA splicing suggest that this variant may create or strengthen a splice site. For these reasons, this variant has been classified as Pathogenic.

Literature cited by the submitters: PubMed 11096065; PubMed 17036344; PubMed 31718018.